The following is an entry in ClinVar:

NM_020433.5(JPH2):c.1580C>T (p.Ser527Phe)

Gene: JPH2 (junctophilin 2; minus strand). Cytogenetic location: 20q13.12.
Variant type: single nucleotide variant.
Coding change: c.1580C>T on transcript NM_020433.5 (MANE Select); coding-DNA position 1580, C replaced by T.
Protein change: p.Ser527Phe; replaces serine 527 with phenylalanine.
Molecular consequence: missense variant.
Genome position (GRCh38, 1-based): chr20:44,116,095, G>A on the plus strand (C>T on the coding strand, the complement: JPH2 is on the minus strand). VCF-style: chr20-44116095-G-A. GRCh37 (hg19) VCF-style: chr20-42744735-G-A.
Other names: short protein forms S527F.
Identifiers: ClinVar variation 3227379 (VCV003227379.1), dbSNP rs1025220345, ClinGen allele CA409100338.

ClinVar aggregate classification (germline): Uncertain significance (1 of 4 stars; one submission).

Conditions:
Cardiovascular phenotype. Identifiers: MedGen CN230736.

Submission:

Ambry Genetics
Classification: Uncertain significance for Cardiovascular phenotype. Last evaluated: 2024-01-22. Review status: criteria provided, single submitter. Criteria: Ambry Variant Classification Scheme 2023. Collection method: clinical testing. Allele origin: germline.
Comment: The p.S527F variant (also known as c.1580C>T), located in coding exon 4 of the JPH2 gene, results from a C to T substitution at nucleotide position 1580. The serine at codon 527 is replaced by phenylalanine, an amino acid with highly dissimilar properties. This amino acid position is conserved. In addition, this alteration is predicted to be tolerated by in silico analysis. Based on the available evidence, the clinical significance of this alteration remains unclear.